The following is an entry in ClinVar:

NM_052867.4(NALCN):c.3784G>A (p.Ala1262Thr)

Gene: NALCN (sodium leak channel, non-selective; minus strand). Cytogenetic location: 13q32.3.
Variant type: single nucleotide variant.
Coding change: c.3784G>A on transcript NM_052867.4 (MANE Select); coding-DNA position 3784, G replaced by A.
Protein change: p.Ala1262Thr; replaces alanine 1262 with threonine.
Molecular consequence: missense variant.
Genome position (GRCh38, 1-based): chr13:101,081,628, C>T on the plus strand (G>A on the coding strand, the complement: NALCN is on the minus strand). VCF-style: chr13-101081628-C-T. GRCh37 (hg19) VCF-style: chr13-101733979-C-T.
Other names: c.3784G>A (NM_052867.2); c.3871G>A, p.Ala1291Thr (NM_001350748.2); c.3784G>A, p.Ala1262Thr (NM_001350749.2); c.3697G>A, p.Ala1233Thr (NM_001350750.2, NM_001350751.2); short protein forms A1262T, A1291T, A1233T.
Identifiers: ClinVar variation 2710806 (VCV002710806.4), dbSNP rs2033657709, ClinGen allele CA388650451.

ClinVar aggregate classification (germline): Uncertain significance. Review status: criteria provided, multiple submitters, no conflicts (2 of 4 stars). 2 submissions from 2 submitters: Uncertain significance (2). Last evaluated 2026-02-21.

Allele frequency attached by ClinVar (database versions not stated): gnomAD exomes below 0.00001.
gnomAD v4.1: 1 of 1,614,038 alleles (0.000062%); highest among the groups gnomAD compares: Non-Finnish European, 0.000085%; no homozygotes.

Submissions (2):

GeneDx
Classification: Uncertain significance. Last evaluated: 2026-02-21. Review status: criteria provided, single submitter. Criteria: GeneDx Variant Classification Process June 2021. Collection method: clinical testing. Allele origin: germline.
Comment: Not observed at significant frequency in large population cohorts (gnomAD); In silico analysis supports that this missense variant has a deleterious effect on protein structure/function; Has not been previously published as pathogenic or benign to our knowledge

Labcorp Genetics (formerly Invitae), Labcorp
Classification: Uncertain significance. Last evaluated: 2024-01-28. Review status: criteria provided, single submitter. Criteria: Invitae Variant Classification Sherloc (09022015). Collection method: clinical testing. Allele origin: germline.
Comment: This sequence change replaces alanine, which is neutral and non-polar, with threonine, which is neutral and polar, at codon 1262 of the NALCN protein (p.Ala1262Thr). This variant is not present in population databases (gnomAD no frequency). This variant has not been reported in the literature in individuals affected with NALCN-related conditions. Advanced modeling of protein sequence and biophysical properties (such as structural, functional, and spatial information, amino acid conservation, physicochemical variation, residue mobility, and thermodynamic stability) performed at Invitae indicates that this missense variant is expected to disrupt NALCN protein function with a positive predictive value of 80%. In summary, the available evidence is currently insufficient to determine the role of this variant in disease. Therefore, it has been classified as a Variant of Uncertain Significance.